The following is an entry in ClinVar:

ClinVar aggregate classification (germline): Likely pathogenic (1 of 4 stars; one submission).

Conditions:
Agenesis of the corpus callosum with peripheral neuropathy (ACCPN). Also called: CHARLEVOIX DISEASE; POLYNEUROPATHY, SENSORIMOTOR, WITH OR WITHOUT AGENESIS OF THE CORPUS CALLOSUM; HMSN/ACC; Hereditary Motor and Sensory Neuropathy with Agenesis of the Corpus Callosum. Identifiers: Orphanet 1496, MedGen C0795950, MONDO:0000902, OMIM 218000. Disease mechanism: loss of function.

Submission:

Myriad Genetics, Inc.
Classification: Likely pathogenic for Agenesis of the corpus callosum with peripheral neuropathy. Last evaluated: 2022-01-08. Review status: criteria provided, single submitter. Criteria: Myriad Women's Health Autosomal Recessive and X-Linked Classification Criteria (2021). Collection method: clinical testing. Allele origin: unknown.
Comment: NM_133647.1(SLC12A6):c.549_550delCC(Q184Nfs*60) is expected to be pathogenic in the context of Andermann syndrome. This variant is predicted to lead to an abnormal or absent protein product due to the creation of a premature termination codon in SLC12A6, a gene where loss-of-function variants are known to be pathogenic. Please note: this variant was assessed in the context of healthy population screening.

NM_001365088.1(SLC12A6):c.549_550del (p.Gln184fs)

Gene: SLC12A6 (solute carrier family 12 member 6; minus strand). Cytogenetic location: 15q14.
Variant type: Deletion.
Coding change: c.549_550del on transcript NM_001365088.1 (MANE Select); coding-DNA positions 549 to 550, 2 bases deleted (CC; older notation c.549_550delCC).
Protein change: p.Gln184fs; shifts the reading frame from glutamine 184.
Molecular consequence: frameshift variant.
Genome position (GRCh38, 1-based): chr15:34,257,782-34,257,783, GG deleted on the plus strand (CC on the coding strand, the reverse complement: SLC12A6 is on the minus strand); deleting any 2 consecutive bases within chr15:34,257,782-34,257,787 gives the same sequence; the c. name uses the placement nearest the transcript's 3' end. VCF-style (leftmost placement, unchanged base first): chr15-34257781-TGG-T. GRCh37 (hg19) VCF-style: chr15-34549982-TGG-T.
Other names: c.372_373del, p.Gln125fs (NM_001042494.2, NM_001042495.2); c.522_523del, p.Gln175fs (NM_001042496.2); c.504_505del, p.Gln169fs (NM_001042497.2); c.396_397del, p.Gln133fs (NM_005135.2); c.549_550del, p.Gln184fs (NM_133647.2); short protein forms Q125fs, Q133fs, Q169fs, Q175fs, Q184fs.
Identifiers: ClinVar variation 1723910 (VCV001723910.2), dbSNP rs1057517109, ClinGen allele CA2580089326.